The following is an entry in ClinVar:

NM_000138.5(FBN1):c.2581C>G (p.Arg861Gly)

Gene: FBN1 (fibrillin 1; minus strand). Cytogenetic location: 15q21.1.
Variant type: single nucleotide variant.
Coding change: c.2581C>G on transcript NM_000138.5 (MANE Select); coding-DNA position 2581, C replaced by G.
Protein change: p.Arg861Gly; replaces arginine 861 with glycine.
Molecular consequence: missense variant.
Genome position (GRCh38, 1-based): chr15:48,495,219, G>C on the plus strand (C>G on the coding strand, the complement: FBN1 is on the minus strand). VCF-style: chr15-48495219-G-C. GRCh37 (hg19) VCF-style: chr15-48787416-G-C.
Other names: c.2581C>G, p.Arg861Gly (NM_001406716.1); short protein forms R861G.
Identifiers: ClinVar variation 3070916 (VCV003070916.1), dbSNP rs140583, ClinGen allele CA392332725.

ClinVar aggregate classification (germline): Uncertain significance (1 of 4 stars; one submission).

Conditions:
Marfan syndrome (MFS). Also called: MARFAN SYNDROME, TYPE I; Marfan syndrome type 1; Marfan's syndrome; Marfan syndrome, classic; FBN1-Related Marfan Syndrome. Identifiers: Orphanet 284963, Orphanet 558, MedGen C0024796, MONDO:0007947, OMIM 154700.

Submission:

All of Us Research Program, National Institutes of Health
Classification: Uncertain significance for Marfan syndrome. Last evaluated: 2023-05-08. Review status: criteria provided, single submitter. Criteria: ACMG Guidelines, 2015. Collection method: clinical testing. Allele origin: germline. Inheritance: Autosomal dominant inheritance. Observed: 1 variant allele, 1 heterozygote.
Comment: This study involves interpretation of variants in research participants for the purpose of population health screening. Participant phenotype was not available at the time of variant classification. Additional details can be found in publication PMID: 35346344, PMCID: PMC8962531